The following is an entry in ClinVar:

ClinVar aggregate classification (germline): Uncertain significance (1 of 4 stars; one submission).

Conditions:
Myopathy due to calsequestrin and SERCA1 protein overload. Also called: Myopathy, vacuolar, with casq1 aggregates. Identifiers: Orphanet 88635, MedGen C4015624, MONDO:0014546, OMIM 616231.

Submission:

Victorian Clinical Genetics Services, Murdoch Childrens Research Institute
Classification: Uncertain significance for Myopathy due to calsequestrin and SERCA1 protein overload. Last evaluated: 2025-07-30. Review status: criteria provided, single submitter. Criteria: ACMG Guidelines, 2015. Collection method: clinical testing. Allele origin: germline. Affected: yes.
Comment: This variant is classified as VUS-3A. Evidence in support of pathogenic classification: Variant is present in gnomAD <0.001 for a dominant condition (v4: 1 heterozygote(s), 0 homozygote(s)); Missense variant predicted to be damaging by in silico tool(s) or highly conserved with a major amino acid change; Additional information: Variant is predicted to result in a missense amino acid change from Leu to Pro; This variant is heterozygous; This gene is associated with autosomal dominant disease; This variant has no previous evidence of pathogenicity; No published evidence of segregation with disease has been identified for this variant; No published functional evidence has been identified for this variant; No comparable missense variants have previous evidence for pathogenicity; Variant is located in the annotated calsequestrin domain (DECIPHER); The mechanism of disease for this gene is not clearly established. However, gain of function is a potential mechanism (PMID: 26136523, 25116801).

Literature cited by the submitters: PubMed 26136523; PubMed 25116801.

NM_001231.5(CASQ1):c.1118T>C (p.Leu373Pro)

Gene: CASQ1 (calsequestrin 1; plus strand). Cytogenetic location: 1q23.2.
Variant type: single nucleotide variant.
Coding change: c.1118T>C on transcript NM_001231.5 (MANE Select); coding-DNA position 1118, T replaced by C.
Protein change: p.Leu373Pro; replaces leucine 373 with proline.
Molecular consequence: missense variant.
Genome position (GRCh38, 1-based): chr1:160,201,303, T>C. VCF-style: chr1-160201303-T-C. GRCh37 (hg19) VCF-style: chr1-160171093-T-C.
Other names: short protein forms L373P.
Identifiers: ClinVar variation 4532052 (VCV004532052.1).